The following is an entry in ClinVar:

NM_001036.6(RYR3):c.14356G>A (p.Asp4786Asn)

Genes: AVEN (apoptosis and caspase activation inhibitor; minus strand), RYR3 (ryanodine receptor 3; plus strand). Cytogenetic location: 15q14.
Variant type: single nucleotide variant.
Coding change: c.14356G>A on transcript NM_001036.6 (MANE Select); coding-DNA position 14356, G replaced by A.
Protein change: p.Asp4786Asn; replaces aspartic acid 4786 with asparagine.
Molecular consequence: missense variant.
Genome position (GRCh38, 1-based): chr15:33,860,651, G>A. VCF-style: chr15-33860651-G-A. GRCh37 (hg19) VCF-style: chr15-34152852-G-A.
Other names: c.14341G>A, p.Asp4781Asn (NM_001243996.4); short protein forms D4786N, D4781N.
Identifiers: ClinVar variation 576666 (VCV000576666.10), dbSNP rs1567354675, ClinGen allele CA391593970.
Genomic context (GRCh38, chr15:33,860,651, plus strand): 5'-CCAGGTCTTATTATTGATGCTTTCGGAGAGCTAAGAGACCAGCAGGAACAAGTACGAGAA[G>A]ATATGGAGGTAATGTTACTCTAACTACTAATCCCAGCTCTATTTTAATATCCCCAGAAGC-3'
Protein context (NP_001027.3, residues 4776-4796): LRDQQEQVRE[Asp4786Asn]METKCFICGI

ClinVar aggregate classification (germline): Uncertain significance (1 of 4 stars; one submission).

Conditions:
Epileptic encephalopathy. Identifiers: MedGen C0543888, HP:0200134.

Allele frequency attached by ClinVar (database versions not stated): TOPMed below 0.00001.

Submission:

Labcorp Genetics (formerly Invitae), Labcorp
Classification: Uncertain significance for Epileptic encephalopathy. Last evaluated: 2019-01-01. Review status: criteria provided, single submitter. Criteria: Invitae Variant Classification Sherloc (09022015). Collection method: clinical testing. Allele origin: germline.
Comment: In summary, the available evidence is currently insufficient to determine the role of this variant in disease. Therefore, it has been classified as a Variant of Uncertain Significance. Algorithms developed to predict the effect of missense changes on protein structure and function are either unavailable or do not agree on the potential impact of this missense change (SIFT: "Deleterious"; PolyPhen-2: "Probably Damaging"; Align-GVGD: "Class C0"). This variant has not been reported in the literature in individuals with RYR3-related disease. This variant is not present in population databases (ExAC no frequency). This sequence change replaces aspartic acid with asparagine at codon 4786 of the RYR3 protein (p.Asp4786Asn). The aspartic acid residue is highly conserved and there is a small physicochemical difference between aspartic acid and asparagine.